The following is an entry in ClinVar:

NM_001291303.3(FAT4):c.4807G>A (p.Ala1603Thr)

Gene: FAT4 (FAT atypical cadherin 4; plus strand). Cytogenetic location: 4q28.1.
Variant type: single nucleotide variant.
Coding change: c.4807G>A on transcript NM_001291303.3 (MANE Select); coding-DNA position 4807, G replaced by A.
Protein change: p.Ala1603Thr; replaces alanine 1603 with threonine.
Molecular consequence: missense variant. On other transcripts: intron variant (1).
Genome position (GRCh38, 1-based): chr4:125,321,218, G>A. VCF-style: chr4-125321218-G-A. GRCh37 (hg19) VCF-style: chr4-126242373-G-A.
Other names: c.4807G>A, p.Ala1603Thr (NM_001291285.3, NM_001438396.1, NM_001438397.1 and 1 more transcripts); c.-55+5241G>A (NM_001437895.1); short protein forms A1603T.
Identifiers: ClinVar variation 4690809 (VCV004690809.1).

ClinVar aggregate classification (germline): Uncertain significance (1 of 4 stars; one submission).

Submission:

Labcorp Genetics (formerly Invitae), Labcorp
Classification: Uncertain significance. Last evaluated: 2025-11-23. Review status: criteria provided, single submitter. Criteria: Invitae Variant Classification Sherloc (09022015). Collection method: clinical testing. Allele origin: germline.
Comment: This sequence change replaces alanine, which is neutral and non-polar, with threonine, which is neutral and polar, at codon 1603 of the FAT4 protein (p.Ala1603Thr). This variant is not present in population databases (gnomAD no frequency). This variant has not been reported in the literature in individuals affected with FAT4-related conditions. Invitae Evidence Modeling of protein sequence and biophysical properties (such as structural, functional, and spatial information, amino acid conservation, physicochemical variation, residue mobility, and thermodynamic stability) indicates that this missense variant is not expected to disrupt FAT4 protein function with a negative predictive value of 95%. In summary, the available evidence is currently insufficient to determine the role of this variant in disease. Therefore, it has been classified as a Variant of Uncertain Significance.